The following is an entry in ClinVar:

ClinVar aggregate classification (germline): Benign (1 of 4 stars; one submission).

Allele frequency attached by ClinVar (database versions not stated): gnomAD 0.08858 and 0.09357; TOPMed 0.09440; 1000 Genomes Project 30x 0.10103; 1000 Genomes Project 0.10124.
gnomAD v4.1: 14,271 of 152,264 alleles (9.4%); highest among the groups gnomAD compares: South Asian, 20%; 849 homozygotes.

Submission:

GeneDx
Classification: Benign. Last evaluated: 2018-06-14. Review status: criteria provided, single submitter. Criteria: GeneDx Variant Classification (06012015). Collection method: clinical testing. Allele origin: germline. Affected: yes.
Comment: This variant is considered likely benign or benign based on one or more of the following criteria: it is a conservative change, it occurs at a poorly conserved position in the protein, it is predicted to be benign by multiple in silico algorithms, and/or has population frequency not consistent with disease.

NM_016955.4(SEPSECS):c.270-154A>G

Gene: SEPSECS (Sep (O-phosphoserine) tRNA:Sec (selenocysteine) tRNA synthase; minus strand). Cytogenetic location: 4p15.2.
Variant type: single nucleotide variant.
Coding change: c.270-154A>G on transcript NM_016955.4 (MANE Select); 154 bases into the intron before coding-DNA position 270, A replaced by G.
Molecular consequence: intron variant.
Genome position (GRCh38, 1-based): chr4:25,157,128, T>C on the plus strand (A>G on the coding strand, the complement: SEPSECS is on the minus strand). VCF-style: chr4-25157128-T-C. GRCh37 (hg19) VCF-style: chr4-25158750-T-C.
Identifiers: ClinVar variation 671712 (VCV000671712.1), dbSNP rs73252528, ClinGen allele CA93585726.